The following is an entry in ClinVar:

ClinVar aggregate classification (germline): Uncertain significance (1 of 4 stars; one submission).

gnomAD v4.1: 1 of 1,614,152 alleles (0.000062%); highest among the groups gnomAD compares: Non-Finnish European, 0.000085%; no homozygotes.

Submission:

GeneDx
Classification: Uncertain significance. Last evaluated: 2024-02-06. Review status: criteria provided, single submitter. Criteria: GeneDx Variant Classification Process June 2021. Collection method: clinical testing. Allele origin: germline. Affected: yes.
Comment: Not observed at significant frequency in large population cohorts (gnomAD); In silico analysis supports that this missense variant has a deleterious effect on protein structure/function; Has not been previously published as pathogenic or benign to our knowledge

NM_000827.4(GRIA1):c.1968G>T (p.Gln656His)

Gene: GRIA1 (glutamate ionotropic receptor AMPA type subunit 1; plus strand). Cytogenetic location: 5q33.2.
Variant type: single nucleotide variant.
Coding change: c.1968G>T on transcript NM_000827.4 (MANE Select); coding-DNA position 1968, G replaced by T.
Protein change: p.Gln656His; replaces glutamine 656 with histidine.
Molecular consequence: missense variant. On other transcripts: non-coding transcript variant (2).
Genome position (GRCh38, 1-based): chr5:153,764,578, G>T. VCF-style: chr5-153764578-G-T. GRCh37 (hg19) VCF-style: chr5-153144138-G-T.
Other names: c.1968G>T, p.Gln656His (NM_001114183.2); c.1728G>T, p.Gln576His (NM_001258019.2); c.1683G>T, p.Gln561His (NM_001258020.2); c.1998G>T, p.Gln666His (NM_001258021.2, NM_001258022.2); c.1761G>T, p.Gln587His (NM_001258023.1, NM_001364167.2); c.1800G>T, p.Gln600His (NM_001364165.2); c.1995G>T, p.Gln665His (NM_001364166.2); short protein forms Q561H, Q576H, Q587H, Q600H, Q656H, Q665H, Q666H.
Identifiers: ClinVar variation 3368640 (VCV003368640.1).
Genomic context (GRCh38, chr5:153,764,578, plus strand): 5'-CTTCCTGACCGTGGAGAGGATGGTGTCTCCCATTGAGAGTGCAGAGGACCTAGCGAAGCA[G>T]ACAGAAATTGCCTACGGGACGCTGGAAGCAGGATCTACTAAGGAGTTCTTCAGGGTAGGG-3'
Protein context (NP_000818.2, residues 646-666): PIESAEDLAK[Gln656His]TEIAYGTLEA